The following is an entry in ClinVar:

NM_006208.3(ENPP1):c.169G>C (p.Glu57Gln)

Gene: ENPP1 (ectonucleotide pyrophosphatase/phosphodiesterase 1; plus strand). Cytogenetic location: 6q23.2.
Variant type: single nucleotide variant.
Coding change: c.169G>C on transcript NM_006208.3 (MANE Select); coding-DNA position 169, G replaced by C.
Protein change: p.Glu57Gln; replaces glutamic acid 57 with glutamine.
Molecular consequence: missense variant.
Genome position (GRCh38, 1-based): chr6:131,808,204, G>C. VCF-style: chr6-131808204-G-C. GRCh37 (hg19) VCF-style: chr6-132129344-G-C.
Other names: short protein forms E57Q.
Identifiers: ClinVar variation 3593049 (VCV003593049.3).
Genomic context (GRCh38, chr6:131,808,204, plus strand): 5'-GCCGAGGCGCCCGGGGACCCGCAGGCGGCCGCGTCCTTGCTGGCCCCTATGGACGTGGGG[G>C]AGGAGCCGCTGGAGAAGGCGGCGCGCGCCCGCACTGCCAAGGACCCCAACACCTATAAAG-3'
Protein context (NP_006199.2, residues 47-67): ASLLAPMDVG[Glu57Gln]EPLEKAARAR

ClinVar aggregate classification (germline): Uncertain significance. Review status: criteria provided, multiple submitters, no conflicts (2 of 4 stars). 2 submissions from 2 submitters: Uncertain significance (2). Last evaluated 2025-07-09.

Conditions:
Hypopigmentation-punctate palmoplantar keratoderma syndrome. Also called: GUTTATE HYPOPIGMENTATION AND PUNCTATE PALMOPLANTAR KERATODERMA WITH OR WITHOUT ECTOPIC CALCIFICATION; Cole disease. Identifiers: Orphanet 324561, MedGen C3809781, MONDO:0014227, OMIM 615522.
Inherited obesity. Also called: Monogenic Obesity. Identifiers: Orphanet 77828, MedGen C4054476, MONDO:0019182, OMIM 601665.
Type 2 diabetes mellitus. Also called: Type II diabetes mellitus. Identifiers: MedGen C0011860, MeSH D003924, MONDO:0005148, OMIM 125853, HP:0005978.
Arterial calcification, generalized, of infancy, 1 (GACI1). Also called: Idiopathic Infantile Arterial Calcification. Identifiers: Orphanet 51608, MedGen C4551985, MONDO:0008817, OMIM 208000.
Hypophosphatemic rickets, autosomal recessive, 2 (ARHR2). Identifiers: Orphanet 289176, MedGen C2750078, MONDO:0013219, OMIM 613312.

gnomAD v4.1: 139 of 1,511,298 alleles (0.0092%); highest among the groups gnomAD compares: Non-Finnish European, 0.012%; no homozygotes.

Submissions (2):

Labcorp Genetics (formerly Invitae), Labcorp
Classification: Uncertain significance. Last evaluated: 2025-07-09. Review status: criteria provided, single submitter. Criteria: Invitae Variant Classification Sherloc (09022015). Collection method: clinical testing. Allele origin: germline.
Comment: This sequence change replaces glutamic acid, which is acidic and polar, with glutamine, which is neutral and polar, at codon 57 of the ENPP1 protein (p.Glu57Gln). This variant is present in population databases (no rsID available, gnomAD 0.007%). This variant has not been reported in the literature in individuals affected with ENPP1-related conditions. ClinVar contains an entry for this variant (Variation ID: 3593049). An algorithm developed to predict the effect of missense changes on protein structure and function (PolyPhen-2) suggests that this variant is likely to be disruptive. In summary, the available evidence is currently insufficient to determine the role of this variant in disease. Therefore, it has been classified as a Variant of Uncertain Significance.

Fulgent Genetics
Classification: Uncertain significance for Type 2 diabetes mellitus; Arterial calcification, generalized, of infancy, 1; Inherited obesity; Hypophosphatemic rickets, autosomal recessive, 2; Hypopigmentation-punctate palmoplantar keratoderma syndrome. Last evaluated: 2024-03-18. Review status: criteria provided, single submitter. Criteria: ACMG Guidelines, 2015. Collection method: clinical testing. Allele origin: germline.